The following is an entry in ClinVar:

ClinVar aggregate classification (germline): Likely pathogenic (0 of 4 stars; one submission).

Conditions:
BCL11A-related disorder. Also called: BCL11A-related condition.

Submission:

PreventionGenetics, part of Exact Sciences
Classification: Likely pathogenic for BCL11A-related condition. Last evaluated: 2023-12-21. Review status: no assertion criteria provided. Collection method: clinical testing. Allele origin: germline.
Comment: The BCL11A c.488-1G>C variant is predicted to disrupt the AG splice acceptor site and interfere with normal splicing. To our knowledge, this variant has not been reported in the literature or in a large population database, indicating this variant is rare. Variants that disrupt the consensus splice acceptor site in BCL11A are expected to be pathogenic. This variant is interpreted as likely pathogenic.

NM_022893.4(BCL11A):c.488-1G>C

Gene: BCL11A (BCL11 transcription factor A; minus strand). Cytogenetic location: 2p16.1.
Variant type: single nucleotide variant.
Coding change: c.488-1G>C on transcript NM_022893.4 (MANE Select); the canonical splice acceptor site of the intron before coding-DNA position 488, G replaced by C.
Molecular consequence: splice acceptor variant.
Genome position (GRCh38, 1-based): chr2:60,462,425, C>G on the plus strand (G>C on the coding strand, the complement: BCL11A is on the minus strand). VCF-style: chr2-60462425-C-G. GRCh37 (hg19) VCF-style: chr2-60689560-C-G.
Other names: c.488-1G>C (NM_138559.2, NM_018014.4, NM_001405732.1 and 4 more transcripts); c.386-1G>C (NM_001363864.1, NM_001405733.1, NM_001405719.1 and 3 more transcripts); c.32-1G>C (NM_001405731.1, NM_001405726.1, NM_001405728.1 and 2 more transcripts); c.332-1G>C (NM_001405735.1, NM_001405722.1, NM_001405734.1 and 6 more transcripts); c.230-1G>C (NM_001405736.1, NM_001405724.1, NM_001405718.1 and 1 more transcripts); c.155-1G>C (NM_001405721.1, NM_001405720.1).
Identifiers: ClinVar variation 3033311 (VCV003033311.2), dbSNP rs2466269611, ClinGen allele CA347040105.